The following is an entry in ClinVar:

NM_000256.3(MYBPC3):c.2630C>T (p.Ala877Val)

Gene: MYBPC3 (myosin binding protein C3; minus strand). Cytogenetic location: 11p11.2.
Variant type: single nucleotide variant.
Coding change: c.2630C>T on transcript NM_000256.3 (MANE Select); coding-DNA position 2630, C replaced by T.
Protein change: p.Ala877Val; replaces alanine 877 with valine.
Molecular consequence: missense variant.
Genome position (GRCh38, 1-based): chr11:47,335,984, G>A on the plus strand (C>T on the coding strand, the complement: MYBPC3 is on the minus strand). VCF-style: chr11-47335984-G-A. GRCh37 (hg19) VCF-style: chr11-47357535-G-A.
Other names: short protein forms A877V.
Identifiers: ClinVar variation 2691205 (VCV002691205.3), dbSNP rs2095881904, ClinGen allele CA380317412.

ClinVar aggregate classification (germline): Uncertain significance. Review status: criteria provided, multiple submitters, no conflicts (2 of 4 stars). 3 submissions from 3 submitters: Uncertain significance (3). Last evaluated 2025-06-27.

Conditions:
Hypertrophic cardiomyopathy. Also called: HYPERTROPHIC MYOCARDIOPATHY. Identifiers: Orphanet 217569, MedGen C0007194, MeSH D002312, MONDO:0005045, HP:0001639.
Cardiomyopathy (CMYO). Also called: Cardiomyopathies. Identifiers: Orphanet 167848, MedGen C0878544, MONDO:0004994, HP:0001638. Inheritance: Various modes of inheritance.

Allele frequency attached by ClinVar (database versions not stated): gnomAD exomes below 0.00001; gnomAD 0.00001.
gnomAD v4.1: 4 of 1,541,182 alleles (0.00026%); highest among the groups gnomAD compares: South Asian, 0.0038%; no homozygotes.

Submissions (3):

GeneDx
Classification: Uncertain significance. Last evaluated: 2025-06-27. Review status: criteria provided, single submitter. Criteria: GeneDx Variant Classification Process June 2021. Collection method: clinical testing. Allele origin: germline. Affected: yes.
Comment: Not observed at significant frequency in large population cohorts (gnomAD); In silico analysis suggests that this missense variant does not alter protein structure/function; Has not been previously published as pathogenic or benign to our knowledge

All of Us Research Program, National Institutes of Health
Classification: Uncertain significance for Hypertrophic cardiomyopathy. Last evaluated: 2024-08-13. Review status: criteria provided, single submitter. Criteria: ACMG Guidelines, 2015. Collection method: clinical testing. Allele origin: germline. Inheritance: Autosomal dominant inheritance. Observed: 1 variant allele, 1 heterozygote.
Comment: This missense variant replaces alanine with valine at codon 877 of the MYBPC3 protein. Computational prediction tools indicate that this variant has a neutral impact on protein structure and function. To our knowledge, functional studies have not been reported for this variant. This variant has not been reported in individuals affected with MYBPC3-related disorders in the literature. This variant has not been identified in the general population by the Genome Aggregation Database (gnomAD). The available evidence is insufficient to determine the role of this variant in disease conclusively. Therefore, this variant is classified as a Variant of Uncertain Significance.

This study involves interpretation of variants in research participants for the purpose of population health screening. Participant phenotype was not available at the time of variant classification. Additional details can be found in publication PMID: 35346344, PMCID: PMC8962531

CHEO Genetics Diagnostic Laboratory, Children's Hospital of Eastern Ontario
Classification: Uncertain significance for Cardiomyopathy. Last evaluated: 2023-01-13. Review status: criteria provided, single submitter. Criteria: ACMG Guidelines, 2015. Collection method: clinical testing. Allele origin: germline.